The following is an entry in ClinVar:

ClinVar aggregate classification (germline): Pathogenic. Review status: reviewed by expert panel (3 of 4 stars). 6 submissions from 6 submitters: Pathogenic (1). 5 of the submissions do not count toward it. Last evaluated 2016-09-08.

Conditions:
Hereditary breast ovarian cancer syndrome. Also called: Hereditary breast and ovarian cancer syndrome; Hereditary breast and ovarian cancer; Hereditary breast and ovarian cancer syndrome (HBOC); Breast and ovarian cancer; Hereditary breast and/or ovarian cancer syndrome; BRCA1- and BRCA2-Associated Hereditary Breast and Ovarian Cancer. Identifiers: Orphanet 145, MedGen C0677776, MeSH D061325, MONDO:0003582. Disease mechanism: loss of function.
Breast-ovarian cancer, familial, susceptibility to, 2 (BROVCA2). Also called: BRCA2 Hereditary Breast and Ovarian Cancer. Identifiers: Orphanet 145, MedGen C2675520, MONDO:0012933, OMIM 612555. Disease mechanism: loss of function.
Hereditary cancer-predisposing syndrome. Also called: Neoplastic Syndromes, Hereditary; Tumor predisposition; Hereditary Cancer Syndrome; Hereditary neoplastic syndrome. Identifiers: Orphanet 140162, MedGen C0027672, MeSH D009386, MONDO:0015356.

Submissions (6):

Evidence-based Network for the Interpretation of Germline Mutant Alleles (ENIGMA)
Classification: Pathogenic for Breast-ovarian cancer, familial, susceptibility to, 2. Last evaluated: 2016-09-08. Review status: reviewed by expert panel. Criteria: ENIGMA BRCA1/2 Classification Criteria (2015). Collection method: curation. Allele origin: germline.
Comment: Variant allele predicted to encode a truncated non-functional protein.

Ambry Genetics
Classification: Pathogenic for Hereditary cancer-predisposing syndrome. Last evaluated: 2021-10-04. Review status: criteria provided, single submitter. Criteria: Ambry Variant Classification Scheme 2023. Collection method: clinical testing. Allele origin: germline. Not counted in ClinVar's aggregate classification.
Comment: The c.3593delA pathogenic mutation, located in coding exon 10 of the BRCA2 gene, results from a deletion of one nucleotide at nucleotide position 3593, causing a translational frameshift with a predicted alternate stop codon. In addition to the information presented in the literature, this alteration is expected to result in loss of function by premature protein truncation or nonsense-mediated mRNA decay. As such, this alteration is interpreted as a disease-causing mutation.

Labcorp Genetics (formerly Invitae), Labcorp
Classification: Pathogenic for Hereditary breast ovarian cancer syndrome. Last evaluated: 2021-05-07. Review status: criteria provided, single submitter. Criteria: Invitae Variant Classification Sherloc (09022015). Collection method: clinical testing. Allele origin: germline. Not counted in ClinVar's aggregate classification.
Comment: For these reasons, this variant has been classified as Pathogenic. This variant has been observed in individual(s) with clinical features of hereditary and breast cancer syndrome (PMID: 14574155, 16683254, 29752822). This variant is also known as c.3821delA and c.3589delA. ClinVar contains an entry for this variant (Variation ID: 51491). This variant is not present in population databases (ExAC no frequency). This sequence change creates a premature translational stop signal (p.Asn1198Metfs*11) in the BRCA2 gene. It is expected to result in an absent or disrupted protein product. Loss-of-function variants in BRCA2 are known to be pathogenic (PMID: 20104584).

GeneDx
Classification: Pathogenic. Last evaluated: 2015-12-28. Review status: criteria provided, single submitter. Criteria: GeneDx Variant Classification (06012015). Collection method: clinical testing. Allele origin: germline. Affected: yes. Not counted in ClinVar's aggregate classification.
Comment: This deletion of one nucleotide in BRCA2 is denoted c.3593delA at the cDNA level and p.Asn1198MetfsX11(N1198MfsX11) at the protein level. Using alternate nomenclature, this variant may be defined as BRCA2 3821delA. The normal sequence, with the base that is deleted in braces, is GAAAA[A]TGAC. The deletion causes a frameshift, which changes an Asparagine to a Methionine at codon 1198, and creates a premature stop codon at position 11 of the new reading frame. This variant is predicted to cause loss of normal protein function through either protein truncation or nonsense-mediated mRNA decay. BRCA2 c.3593delA has been reported in high risk breast and/or ovarian cancer families (Piek 2003, Hermsen 2006, van der Hout 2006). We consider this variant to be pathogenic.

Clinical Genetics DNA and cytogenetics Diagnostics Lab, Erasmus MC, Erasmus Medical Center
Classification: Pathogenic for Breast-ovarian cancer, familial, susceptibility to, 2. Last evaluated: 2015-09-21. Review status: criteria provided, single submitter. Criteria: ACGS Guidelines, 2013. Collection method: clinical testing. Allele origin: germline. Affected: yes. Study: VKGL Data-share Consensus. Not counted in ClinVar's aggregate classification.

Diagnostic Laboratory, Department of Genetics, University Medical Center Groningen
Classification: Pathogenic for Breast-ovarian cancer, familial, susceptibility to, 2. Review status: no assertion criteria provided. Collection method: clinical testing. Allele origin: germline. Affected: yes. Study: VKGL Data-share Consensus. Not counted in ClinVar's aggregate classification.

Literature cited by the submitters: PubMed 14574155 (cited by Ambry Genetics and Labcorp Genetics (formerly Invitae), Labcorp); PubMed 16683254 (cited by Labcorp Genetics (formerly Invitae), Labcorp); PubMed 29752822 (cited by Labcorp Genetics (formerly Invitae), Labcorp); PubMed 20104584 (cited by Labcorp Genetics (formerly Invitae), Labcorp).

NM_000059.4(BRCA2):c.3593del (p.Asn1198fs)

Gene: BRCA2 (BRCA2 DNA repair associated; plus strand). Cytogenetic location: 13q13.1.
Variant type: Deletion.
Coding change: c.3593del on transcript NM_000059.4 (MANE Select); coding-DNA position 3593, one base deleted (A; older notation c.3593delA).
Protein change: p.Asn1198fs; shifts the reading frame from asparagine 1198.
Molecular consequence: frameshift variant.
Genome position (GRCh38, 1-based): chr13:32,337,948, A deleted; the last of 5 consecutive A bases (chr13:32,337,944-32,337,948); deleting any one gives the same sequence. VCF-style (leftmost placement, unchanged base first): chr13-32337943-GA-G. GRCh37 (hg19) VCF-style: chr13-32912080-GA-G.
Other names: c.3593delA (NM_000059.3); short protein forms N1198fs.
Identifiers: ClinVar variation 51491 (VCV000051491.16), dbSNP rs397507677, ClinGen allele CA018383.